The following is an entry in ClinVar:

ClinVar aggregate classification (germline): Uncertain significance (1 of 4 stars; one submission).

gnomAD v4.1: 34 of 1,612,720 alleles (0.0021%); highest among the groups gnomAD compares: Admixed American, 0.055%; no homozygotes.

Submission:

Labcorp Genetics (formerly Invitae), Labcorp
Classification: Uncertain significance. Last evaluated: 2024-04-25. Review status: criteria provided, single submitter. Criteria: Invitae Variant Classification Sherloc (09022015). Collection method: clinical testing. Allele origin: germline.
Comment: This sequence change affects an acceptor splice site in intron 14 of the GFM2 gene. It is expected to disrupt RNA splicing. Variants that disrupt the donor or acceptor splice site typically lead to a loss of protein function (PMID: 16199547), however the current clinical and genetic evidence is not sufficient to establish whether loss-of-function variants in GFM2 cause disease. This variant is present in population databases (no rsID available, gnomAD 0.01%). This variant has not been reported in the literature in individuals affected with GFM2-related conditions. Algorithms developed to predict the effect of sequence changes on RNA splicing suggest that this variant may disrupt the consensus splice site. In summary, the available evidence is currently insufficient to determine the role of this variant in disease. Therefore, it has been classified as a Variant of Uncertain Significance.

Literature cited by the submitters: PubMed 16199547.

NM_032380.5(GFM2):c.1321-1G>C

Gene: GFM2 (GTP dependent ribosome recycling factor mitochondrial 2; minus strand). Cytogenetic location: 5q13.3.
Variant type: single nucleotide variant.
Coding change: c.1321-1G>C on transcript NM_032380.5 (MANE Select); the canonical splice acceptor site of the intron before coding-DNA position 1321, G replaced by C.
Molecular consequence: splice acceptor variant.
Genome position (GRCh38, 1-based): chr5:74,736,986, C>G on the plus strand (G>C on the coding strand, the complement: GFM2 is on the minus strand). VCF-style: chr5-74736986-C-G. GRCh37 (hg19) VCF-style: chr5-74032811-C-G.
Other names: c.1180-1G>C (NM_170691.3); c.1417-1G>C (NM_001281302.2); c.1321-1G>C (NM_170681.3).
Identifiers: ClinVar variation 3614618 (VCV003614618.2).
Genomic context (GRCh38, chr5:74,736,986, plus strand): 5'-TCTACGAGCTGCAGCTAATGCACTGGACTTGGATGAGACAATGGTGTCTCCAGTGGCAGT[C>G]TGCAAGCAAACAAGATGACTTGGAACGAAAGTGGCATTTAGCAAGCGCTCATCTTACACC-3'